The following is an entry in ClinVar:

ClinVar aggregate classification (germline): Uncertain significance (1 of 4 stars; one submission).

Conditions:
Cardiovascular phenotype. Identifiers: MedGen CN230736.

Submission:

Ambry Genetics
Classification: Uncertain significance for Cardiovascular phenotype. Last evaluated: 2024-05-30. Review status: criteria provided, single submitter. Criteria: Ambry Variant Classification Scheme 2023. Collection method: clinical testing. Allele origin: germline.
Comment: The p.G374E variant (also known as c.1121G>A), located in coding exon 6 of the EPHB4 gene, results from a G to A substitution at nucleotide position 1121. The glycine at codon 374 is replaced by glutamic acid, an amino acid with similar properties. This amino acid position is conserved. In addition, the in silico prediction for this alteration is inconclusive. Based on the available evidence, the clinical significance of this variant remains unclear.

NM_004444.5(EPHB4):c.1121G>A (p.Gly374Glu)

Gene: EPHB4 (EPH receptor B4; minus strand). Cytogenetic location: 7q22.1.
Variant type: single nucleotide variant.
Coding change: c.1121G>A on transcript NM_004444.5 (MANE Select); coding-DNA position 1121, G replaced by A.
Protein change: p.Gly374Glu; replaces glycine 374 with glutamic acid.
Molecular consequence: missense variant.
Genome position (GRCh38, 1-based): chr7:100,819,733, C>T on the plus strand (G>A on the coding strand, the complement: EPHB4 is on the minus strand). VCF-style: chr7-100819733-C-T. GRCh37 (hg19) VCF-style: chr7-100417355-C-T.
Other names: short protein forms G374E.
Identifiers: ClinVar variation 3275990 (VCV003275990.1).